The following is an entry in ClinVar:

NM_033026.6(PCLO):c.1321G>C (p.Val441Leu)

Gene: PCLO (piccolo presynaptic cytomatrix protein; minus strand). Cytogenetic location: 7q21.11.
Variant type: single nucleotide variant.
Coding change: c.1321G>C on transcript NM_033026.6 (MANE Select); coding-DNA position 1321, G replaced by C.
Protein change: p.Val441Leu; replaces valine 441 with leucine.
Molecular consequence: missense variant.
Genome position (GRCh38, 1-based): chr7:83,155,320, C>G on the plus strand (G>C on the coding strand, the complement: PCLO is on the minus strand). VCF-style: chr7-83155320-C-G. GRCh37 (hg19) VCF-style: chr7-82784636-C-G.
Other names: c.1321G>C, p.Val441Leu (NM_014510.3); short protein forms V441L.
Identifiers: ClinVar variation 1910039 (VCV001910039.2), dbSNP rs536190573, ClinGen allele CA4321481.

ClinVar aggregate classification (germline): Uncertain significance (1 of 4 stars; one submission).

Allele frequency attached by ClinVar (database versions not stated): gnomAD exomes 0.00002; TOPMed 0.00002; gnomAD 0.00003.
gnomAD v4.1: 32 of 1,613,356 alleles (0.002%); highest among the groups gnomAD compares: Non-Finnish European, 0.0027%; no homozygotes.

Submission:

Labcorp Genetics (formerly Invitae), Labcorp
Classification: Uncertain significance. Last evaluated: 2022-03-13. Review status: criteria provided, single submitter. Criteria: Invitae Variant Classification Sherloc (09022015). Collection method: clinical testing. Allele origin: germline.
Comment: This sequence change replaces valine, which is neutral and non-polar, with leucine, which is neutral and non-polar, at codon 441 of the PCLO protein (p.Val441Leu). This variant is present in population databases (rs536190573, gnomAD 0.008%). This variant has not been reported in the literature in individuals affected with PCLO-related conditions. Algorithms developed to predict the effect of missense changes on protein structure and function (SIFT, PolyPhen-2, Align-GVGD) all suggest that this variant is likely to be tolerated. In summary, the available evidence is currently insufficient to determine the role of this variant in disease. Therefore, it has been classified as a Variant of Uncertain Significance.